The following is an entry in ClinVar:

ClinVar aggregate classification (germline): Pathogenic/Likely pathogenic. Review status: criteria provided, multiple submitters, no conflicts (2 of 4 stars). 2 submissions from 2 submitters: Pathogenic (1); Likely pathogenic (1). Last evaluated 2022-11-19.

Conditions:
Bloom syndrome (BLM). Also called: Bloom-Torre-Machacek syndrome. Identifiers: Orphanet 125, MedGen C0005859, MONDO:0008876, OMIM 210900.

Allele frequency attached by ClinVar (database versions not stated): gnomAD exomes below 0.00001.
gnomAD v4.1: 1 of 1,614,100 alleles (0.000062%); highest among the groups gnomAD compares: East Asian, 0.0022%; no homozygotes.

Submissions (2):

Baylor Genetics
Classification: Likely pathogenic for Bloom syndrome. Last evaluated: 2022-11-19. Review status: criteria provided, single submitter. Criteria: ACMG Guidelines, 2015. Collection method: clinical testing. Allele origin: unknown.

Labcorp Genetics (formerly Invitae), Labcorp
Classification: Pathogenic for Bloom syndrome. Last evaluated: 2020-06-12. Review status: criteria provided, single submitter. Criteria: Invitae Variant Classification Sherloc (09022015). Collection method: clinical testing. Allele origin: germline.
Comment: This sequence change creates a premature translational stop signal (p.Gly804*) in the BLM gene. It is expected to result in an absent or disrupted protein product. This variant is not present in population databases (ExAC no frequency). This variant has not been reported in the literature in individuals with BLM-related conditions. Loss-of-function variants in BLM are known to be pathogenic (PMID: 17407155). For these reasons, this variant has been classified as Pathogenic.

Literature cited by the submitters: PubMed 17407155 (cited by Labcorp Genetics (formerly Invitae), Labcorp).

NM_000057.4(BLM):c.2410G>T (p.Gly804Ter)

Gene: BLM (BLM RecQ like helicase; plus strand). Cytogenetic location: 15q26.1.
Variant type: single nucleotide variant.
Coding change: c.2410G>T on transcript NM_000057.4 (MANE Select); coding-DNA position 2410, G replaced by T.
Protein change: p.Gly804Ter; replaces glycine 804 with a stop codon.
Molecular consequence: nonsense.
Genome position (GRCh38, 1-based): chr15:90,769,441, G>T. VCF-style: chr15-90769441-G-T. GRCh37 (hg19) VCF-style: chr15-91312671-G-T.
Other names: c.2410G>T, p.Gly804Ter (NM_001287246.2, NM_001287247.2); c.1285G>T, p.Gly429Ter (NM_001287248.2); short protein forms G429*, G804*.
Identifiers: ClinVar variation 1075171 (VCV001075171.8), dbSNP rs1412341951, ClinGen allele CA393845256.